The following is an entry in ClinVar:

ClinVar aggregate classification (germline): Likely benign. Review status: criteria provided, single submitter (1 of 4 stars). 2 submissions from 2 submitters: Likely benign (1). 1 of the submissions does not count toward it. Last evaluated 2024-05-15.

Conditions:
TTC8-related disorder. Also called: TTC8-related condition.
Bardet-Biedl syndrome (BBS). Identifiers: Orphanet 110, MedGen C0752166, MONDO:0015229.

Allele frequency attached by ClinVar (database versions not stated): gnomAD exomes below 0.00001; TOPMed below 0.00001.
gnomAD v4.1: 1 of 1,613,768 alleles (0.000062%); highest among the groups gnomAD compares: Admixed American, 0.0017%; no homozygotes.

Submissions (2):

Labcorp Genetics (formerly Invitae), Labcorp
Classification: Likely benign for Bardet-Biedl syndrome. Last evaluated: 2024-05-15. Review status: criteria provided, single submitter. Criteria: Invitae Variant Classification Sherloc (09022015). Collection method: clinical testing. Allele origin: germline.

PreventionGenetics, part of Exact Sciences
Classification: Likely benign for TTC8-related condition. Last evaluated: 2021-09-09. Review status: no assertion criteria provided. Collection method: clinical testing. Allele origin: germline. Not counted in ClinVar's aggregate classification.
Comment: This variant is classified as likely benign based on ACMG/AMP sequence variant interpretation guidelines (Richards et al. 2015 PMID: 25741868, with internal and published modifications).

NM_144596.4(TTC8):c.777T>C (p.Asp259=)

Gene: TTC8 (tetratricopeptide repeat domain 8; plus strand). Cytogenetic location: 14q31.3.
Variant type: single nucleotide variant.
Coding change: c.777T>C on transcript NM_144596.4 (MANE Select); coding-DNA position 777, T replaced by C.
Protein change: p.Asp259=; no amino-acid change (aspartic acid 259 retained).
Molecular consequence: synonymous variant. On other transcripts: non-coding transcript variant (1).
Genome position (GRCh38, 1-based): chr14:88,857,256, T>C. VCF-style: chr14-88857256-T-C. GRCh37 (hg19) VCF-style: chr14-89323600-T-C.
Other names: c.777T>C (NM_144596.3); c.825T>C, p.Asp275= (NM_001288781.1); c.183T>C, p.Asp61= (NM_001288782.1); c.60T>C, p.Asp20= (NM_001288783.1); c.747T>C, p.Asp249= (NM_001366535.2, NM_198309.3); c.657T>C, p.Asp219= (NM_001366536.2, NM_198310.3).
Identifiers: ClinVar variation 1100619 (VCV001100619.11), dbSNP rs1164321723, ClinGen allele CA487522934.